The following is an entry in ClinVar:

NM_004004.6(GJB2):c.*111C>T

Gene: GJB2 (gap junction protein beta 2; minus strand). Cytogenetic location: 13q12.11.
Variant type: single nucleotide variant.
Coding change: c.*111C>T on transcript NM_004004.6 (MANE Select); 111 bases downstream of the stop codon, C replaced by T.
Molecular consequence: 3 prime UTR variant.
Genome position (GRCh38, 1-based): chr13:20,188,790, G>A on the plus strand (C>T on the coding strand, the complement: GJB2 is on the minus strand). VCF-style: chr13-20188790-G-A. GRCh37 (hg19) VCF-style: chr13-20762929-G-A.
Identifiers: ClinVar variation 36278 (VCV000036278.12), dbSNP rs7329857, ClinGen allele CA260409.

ClinVar aggregate classification (germline): Benign. Review status: criteria provided, multiple submitters, no conflicts (2 of 4 stars). 7 submissions from 5 submitters: Benign (7). Last evaluated 2021-09-30.

Conditions:
Autosomal recessive nonsyndromic hearing loss 1A (DFNB1A). Also called: Deafness, autosomal recessive 1A; GJB2-Related Autosomal Recessive Nonsyndromic Hearing Loss; Connexin 26 deafness; Deafness nonsyndromic, Connexin 26 linked; Nonsyndromic Hearing Loss and Deafness, DFNB1; GJB6-Related DFNB 1 Nonsyndromic Hearing Loss and Deafness. Identifiers: Orphanet 90636, MedGen C2673759, MONDO:0009076, OMIM 220290.
Palmoplantar keratoderma-deafness syndrome. Also called: Keratoderma palmoplantar, with deafness; Palmoplantar keratoderma and sensorineural deafness; Hereditary palmoplantar keratoderma with deafness (subtype); Focal palmoplantar keratoderma with sensorineural deafness (subtype); Diffuse palmoplantar keratoderma with deafness (subtype). Identifiers: Orphanet 2202, MedGen C1835672, MONDO:0007852, OMIM 148350.
Knuckle pads, deafness AND leukonychia syndrome. Also called: Bart-Pumphrey syndrome. Identifiers: Orphanet 2698, MedGen C0266004, MONDO:0007866, OMIM 149200.
Autosomal dominant keratitis-ichthyosis-hearing loss syndrome. Also called: HID SYNDROME; KID SYNDROME, AUTOSOMAL DOMINANT; Senter syndrome. Identifiers: Orphanet 477, MedGen C0265336, MONDO:0007850, OMIM 148210.
X-linked mixed hearing loss with perilymphatic gusher. Also called: NANCE DEAFNESS; Gusher syndrome; PERILYMPHATIC GUSHER-DEAFNESS SYNDROME; SENSORINEURAL DEAFNESS, PROFOUND, WITH OR WITHOUT A CONDUCTIVE COMPONENT, ASSOCIATED WITH A UNIQUE DEVELOPMENTAL ABNORMALITY OF THE EAR; Deafness, X-linked 2. Identifiers: Orphanet 383, MedGen C1844678, MONDO:0010576, OMIM 304400.
Autosomal dominant nonsyndromic hearing loss 3A. Identifiers: Orphanet 90635, MedGen C2675750, MONDO:0011103, OMIM 601544.
Ichthyosis, hystrix-like, with hearing loss. Also called: Hystrix-like ichthyosis with deafness. Identifiers: Orphanet 477, MedGen C1865234, MONDO:0011245.
Mutilating keratoderma (VOWNKL). Also called: Keratoderma hereditarium mutilans. Identifiers: Orphanet 494, MedGen C0265964, MONDO:0007422, OMIM 124500.

Allele frequency attached by ClinVar (database versions not stated): TOPMed 0.07235; gnomAD exomes 0.00724; 1000 Genomes Project 0.06949; gnomAD 0.06345 and 0.06802; 1000 Genomes Project 30x 0.07433.

Submissions (7):

Fulgent Genetics
Classification: Benign for Mutilating keratoderma; Autosomal dominant keratitis-ichthyosis-hearing loss syndrome; Palmoplantar keratoderma-deafness syndrome; Knuckle pads, deafness AND leukonychia syndrome; Autosomal recessive nonsyndromic hearing loss 1A; X-linked mixed hearing loss with perilymphatic gusher; Autosomal dominant nonsyndromic hearing loss 3A. Last evaluated: 2021-09-30. Review status: criteria provided, single submitter. Criteria: ACMG Guidelines, 2015. Collection method: clinical testing. Allele origin: unknown.

GeneDx
Classification: Benign. Last evaluated: 2018-06-24. Review status: criteria provided, single submitter. Criteria: GeneDx Variant Classification Process June 2021. Collection method: clinical testing. Allele origin: germline. Affected: yes.

Illumina Laboratory Services, Illumina
Classification: Benign for Autosomal dominant nonsyndromic hearing loss 3A. Last evaluated: 2018-01-13. Review status: criteria provided, single submitter. Criteria: ICSL Variant Classification Criteria 13 December 2019. Collection method: clinical testing. Allele origin: germline.
Comment: This variant was observed in the ICSL laboratory as part of a predisposition screen in an ostensibly healthy population. It had not been previously curated by ICSL or reported in the Human Gene Mutation Database (HGMD: prior to June 1st, 2018), and was therefore a candidate for classification through an automated scoring system. Utilizing variant allele frequency, disease prevalence and penetrance estimates, and inheritance mode, an automated score was calculated to assess if this variant is too frequent to cause the disease. Based on the score and internal cut-off values, a variant classified as benign is not then subjected to further curation. The score for this variant resulted in a classification of benign for this disease.

Illumina Laboratory Services, Illumina
Classification: Benign for Autosomal dominant keratitis-ichthyosis-hearing loss syndrome. Last evaluated: 2018-01-13. Review status: criteria provided, single submitter. Criteria: ICSL Variant Classification Criteria 13 December 2019. Collection method: clinical testing. Allele origin: germline.
Comment: the same text as in the submission from Illumina Laboratory Services, Illumina above.

Illumina Laboratory Services, Illumina
Classification: Benign for Autosomal recessive nonsyndromic hearing loss 1A. Last evaluated: 2018-01-13. Review status: criteria provided, single submitter. Criteria: ICSL Variant Classification Criteria 13 December 2019. Collection method: clinical testing. Allele origin: germline.
Comment: the same text as in the submission from Illumina Laboratory Services, Illumina above.

Women's Health and Genetics/Laboratory Corporation of America, LabCorp
Classification: Benign for Autosomal Recessive Non-Syndromic Hearing Loss. Last evaluated: 2011-08-18. Review status: criteria provided, single submitter. Criteria: LabCorp Variant Classification Summary - May 2015. Collection method: curation. Allele origin: germline. Inheritance: autosomal unknown. Affected: yes.
ClinVar note: Converted during submission from benign to Benign.

Breakthrough Genomics
Classification: Benign. Review status: criteria provided, single submitter. Criteria: ACMG Guidelines, 2015. Collection method: not provided. Allele origin: germline. Inheritance: Autosomal recessive inheritance. Affected: yes.

Literature cited by the submitters: PubMed 17041943 (cited by Women's Health and Genetics/Laboratory Corporation of America, LabCorp).